The following is an entry in ClinVar:

ClinVar aggregate classification (germline): Uncertain significance (1 of 4 stars; one submission).

Submission:

Labcorp Genetics (formerly Invitae), Labcorp
Classification: Uncertain significance. Last evaluated: 2022-10-25. Review status: criteria provided, single submitter. Criteria: Invitae Variant Classification Sherloc (09022015). Collection method: clinical testing. Allele origin: germline.
Comment: In summary, the available evidence is currently insufficient to determine the role of this variant in disease. Therefore, it has been classified as a Variant of Uncertain Significance. Advanced modeling of protein sequence and biophysical properties (such as structural, functional, and spatial information, amino acid conservation, physicochemical variation, residue mobility, and thermodynamic stability) has been performed at Invitae for this missense variant, however the output from this modeling did not meet the statistical confidence thresholds required to predict the impact of this variant on USH2A protein function. This variant has not been reported in the literature in individuals affected with USH2A-related conditions. This variant is not present in population databases (gnomAD no frequency). This sequence change replaces serine, which is neutral and polar, with proline, which is neutral and non-polar, at codon 1381 of the USH2A protein (p.Ser1381Pro).

NM_206933.4(USH2A):c.4141T>C (p.Ser1381Pro)

Genes: USH2A (usherin; minus strand), USH2A-AS1 (USH2A antisense RNA 1; plus strand). Cytogenetic location: 1q41.
Variant type: single nucleotide variant.
Coding change: c.4141T>C on transcript NM_206933.4 (MANE Select); coding-DNA position 4141, T replaced by C.
Protein change: p.Ser1381Pro; replaces serine 1381 with proline.
Molecular consequence: missense variant.
Genome position (GRCh38, 1-based): chr1:216,196,663, A>G on the plus strand (T>C on the coding strand, the complement: USH2A is on the minus strand). VCF-style: chr1-216196663-A-G. GRCh37 (hg19) VCF-style: chr1-216370005-A-G.
Other names: c.4141T>C, p.Ser1381Pro (NM_007123.6); short protein forms S1381P.
Identifiers: ClinVar variation 2119322 (VCV002119322.4), dbSNP rs2528035788, ClinGen allele CA344866538.